The following is an entry in ClinVar:

NM_001148.6(ANK2):c.5828G>A (p.Gly1943Glu)

Genes: ANK2 (ankyrin 2; plus strand), LOC126807136 (MED14-independent group 3 enhancer GRCh37_chr4:114274931-114276130; plus strand). Cytogenetic location: 4q26.
Variant type: single nucleotide variant.
Coding change: c.5828G>A on transcript NM_001148.6 (MANE Select); coding-DNA position 5828, G replaced by A.
Protein change: p.Gly1943Glu; replaces glycine 1943 with glutamic acid.
Molecular consequence: missense variant. On other transcripts: intron variant (68).
Genome position (GRCh38, 1-based): chr4:113,354,446, G>A. VCF-style: chr4-113354446-G-A. GRCh37 (hg19) VCF-style: chr4-114275602-G-A.
Other names: c.5594G>A, p.Gly1865Glu (NM_001386142.1); c.2228G>A, p.Gly743Glu (NM_001386166.1); c.5969G>A, p.Gly1990Glu (NM_001386174.1); c.5945G>A, p.Gly1982Glu (NM_001386175.1); c.4411+4197G>A (NM_001386186.2, NM_001386148.2); c.4213+4197G>A (NM_001354269.3); c.4291+4197G>A (NM_001386187.2); c.4252+4197G>A (NM_001386147.1); and 35 more; short protein forms G1865E, G1943E, G1982E, G1990E, G743E.
Identifiers: ClinVar variation 1749918 (VCV001749918.3), dbSNP rs764180060, ClinGen allele CA3051310.

ClinVar aggregate classification (germline): Conflicting classifications of pathogenicity. Review status: criteria provided, conflicting classifications (1 of 4 stars). 2 submissions from 2 submitters: Uncertain significance (1); Likely benign (1). Last evaluated 2024-02-10.

Conditions:
Cardiovascular phenotype. Identifiers: MedGen CN230736.
Long QT syndrome (LQTS). Identifiers: MedGen C0023976, MeSH D008133, MONDO:0002442. Disease mechanism: loss of function. Inheritance: Various modes of inheritance.

Allele frequency attached by ClinVar (database versions not stated): ExAC 0.00001; gnomAD 0.00001; gnomAD exomes 0.00001.
gnomAD v4.1: 13 of 1,613,868 alleles (0.00081%); highest among the groups gnomAD compares: Non-Finnish European, 0.001%; no homozygotes.

Submissions (2):

Labcorp Genetics (formerly Invitae), Labcorp
Classification: Uncertain significance for Long QT syndrome. Last evaluated: 2024-02-10. Review status: criteria provided, single submitter. Criteria: Invitae Variant Classification Sherloc (09022015). Collection method: clinical testing. Allele origin: germline.
Comment: This sequence change replaces glycine, which is neutral and non-polar, with glutamic acid, which is acidic and polar, at codon 1943 of the ANK2 protein (p.Gly1943Glu). This variant is present in population databases (rs764180060, gnomAD 0.002%). This variant has not been reported in the literature in individuals affected with ANK2-related conditions. ClinVar contains an entry for this variant (Variation ID: 1749918). An algorithm developed to predict the effect of missense changes on protein structure and function (PolyPhen-2) suggests that this variant¬†is likely to be tolerated. In summary, the available evidence is currently insufficient to determine the role of this variant in disease. Therefore, it has been classified as a Variant of Uncertain Significance.

Ambry Genetics
Classification: Likely benign for Cardiovascular phenotype. Last evaluated: 2020-06-26. Review status: criteria provided, single submitter. Criteria: Ambry Variant Classification Scheme 2023. Collection method: clinical testing. Allele origin: germline.